The following is an entry in ClinVar:

ClinVar aggregate classification (germline): Likely benign (1 of 4 stars; one submission).

Submission:

CeGaT Center for Human Genetics Tuebingen
Classification: Likely benign. Last evaluated: 2025-05-01. Review status: criteria provided, single submitter. Criteria: CeGaT Center For Human Genetics Tuebingen Variant Classification Criteria Version 2. Collection method: clinical testing. Allele origin: germline. Affected: yes. Observed: 1 variant allele.
Comment: UBQLN2: PM2:Supporting, BP4, BP7

NM_013444.4(UBQLN2):c.681C>T (p.Asn227=)

Gene: UBQLN2 (ubiquilin 2; plus strand). Cytogenetic location: Xp11.21.
Variant type: single nucleotide variant.
Coding change: c.681C>T on transcript NM_013444.4 (MANE Select); coding-DNA position 681, C replaced by T.
Protein change: p.Asn227=; no amino-acid change (asparagine 227 retained).
Molecular consequence: synonymous variant.
Genome position (GRCh38, 1-based): chrX:56,564,554, C>T. VCF-style: chrX-56564554-C-T. GRCh37 (hg19) VCF-style: chrX-56590987-C-T.
Identifiers: ClinVar variation 3905811 (VCV003905811.10).
Genomic context (GRCh38, chrX:56,564,554, plus strand): 5'-TAATCCACAGATGCAGCAATTGATTCAGAGAAACCCAGAAATCAGTCACCTGCTCAACAA[C>T]CCAGACATAATGAGGCAGACACTCGAAATTGCCAGGAATCCAGCCATGATGCAAGAGATG-3'
Protein context (NP_038472.2, residues 217-237): RNPEISHLLN[Asn227=]PDIMRQTLEI